The following is an entry in ClinVar:

ClinVar aggregate classification (germline): Conflicting classifications of pathogenicity. Review status: criteria provided, conflicting classifications (1 of 4 stars). 4 submissions from 4 submitters: Uncertain significance (1); Likely benign (1). 2 of the submissions do not count toward it. Last evaluated 2025-01-27.

Conditions:
Cardiovascular phenotype. Identifiers: MedGen CN230736.

Allele frequency attached by ClinVar (database versions not stated): TOPMed 0.00009; gnomAD 0.00010 and 0.00011; gnomAD exomes 0.00011 and 0.00016; ESP Exome Variant Server 0.00015; ExAC 0.00020.

Submissions (4):

Labcorp Genetics (formerly Invitae), Labcorp
Classification: Likely benign. Last evaluated: 2025-01-27. Review status: criteria provided, single submitter. Criteria: Invitae Variant Classification Sherloc (09022015). Collection method: clinical testing. Allele origin: germline.

Ambry Genetics
Classification: Uncertain significance for Cardiovascular phenotype. Last evaluated: 2024-09-25. Review status: criteria provided, single submitter. Criteria: Ambry Variant Classification Scheme 2023. Collection method: clinical testing. Allele origin: germline.
Comment: The c.879C>T variant (also known as p.P293P), located in coding exon 6 of the LCAT gene, results from a C to T substitution at nucleotide position 879. This nucleotide substitution does not change the amino acid at codon 293. This nucleotide position is not well conserved in available vertebrate species. In silico splice site analysis for this alteration is inconclusive. Based on the available evidence, the clinical significance of this variant remains unclear.

Clinical Genetics, Academic Medical Center
Classification: Likely benign. Review status: no assertion criteria provided. Collection method: clinical testing. Allele origin: germline. Affected: yes. Study: VKGL Data-share Consensus. Not counted in ClinVar's aggregate classification.

Genome Diagnostics Laboratory, University Medical Center Utrecht
Classification: Likely benign. Review status: no assertion criteria provided. Collection method: clinical testing. Allele origin: germline. Affected: yes. Study: VKGL Data-share Consensus. Not counted in ClinVar's aggregate classification.

NM_000229.2(LCAT):c.879C>T (p.Pro293=)

Gene: LCAT (lecithin-cholesterol acyltransferase; minus strand). Cytogenetic location: 16q22.1.
Variant type: single nucleotide variant.
Coding change: c.879C>T on transcript NM_000229.2 (MANE Select); coding-DNA position 879, C replaced by T.
Protein change: p.Pro293=; no amino-acid change (proline 293 retained).
Molecular consequence: synonymous variant.
Genome position (GRCh38, 1-based): chr16:67,940,348, G>A on the plus strand (C>T on the coding strand, the complement: LCAT is on the minus strand). VCF-style: chr16-67940348-G-A. GRCh37 (hg19) VCF-style: chr16-67974251-G-A.
Other names: c.879C>T (NM_000229.1).
Identifiers: ClinVar variation 1284301 (VCV001284301.8), dbSNP rs200225997, ClinGen allele CA8120939.
Genomic context (GRCh38, chr16:67,940,348, plus strand): 5'-TTCCTCAAAGTGCAGGTCTGCAAAGAAGCGTTGGAAGTCACGGCCTGTGTAGTTGAAGCT[G>A]GGTGTGGAAATGAACACGTGGTCCTCAGGCCACGCCATGCGAGAGGGAAACATCCAGGGG-3'
Protein context (NP_000220.1, residues 283-303): WPEDHVFIST[Pro293=]SFNYTGRDFQ